The following is an entry in ClinVar:

NM_024301.5(FKRP):c.1256_1257del (p.Pro419fs)

Gene: FKRP (fukutin related protein; plus strand). Cytogenetic location: 19q13.32.
Variant type: Deletion.
Coding change: c.1256_1257del on transcript NM_024301.5 (MANE Select); coding-DNA positions 1256 to 1257, 2 bases deleted (CC; older notation c.1256_1257delCC).
Protein change: p.Pro419fs; shifts the reading frame from proline 419.
Molecular consequence: frameshift variant.
Genome position (GRCh38, 1-based): chr19:46,756,706-46,756,707, CC deleted; deleting any 2 consecutive bases within chr19:46,756,705-46,756,707 gives the same sequence; the c. name uses the placement nearest the transcript's 3' end. VCF-style (leftmost placement, unchanged base first): chr19-46756704-GCC-G. GRCh37 (hg19) VCF-style: chr19-47259961-GCC-G.
Other names: c.1256_1257del, p.Pro419fs (NM_001039885.3); short protein forms P419fs.
Identifiers: ClinVar variation 288628 (VCV000288628.12), dbSNP rs886043959, ClinGen allele CA10606163.

ClinVar aggregate classification (germline): Pathogenic. Review status: criteria provided, multiple submitters, no conflicts (2 of 4 stars). 2 submissions from 2 submitters: Pathogenic (2). Last evaluated 2021-05-21.

Conditions:
Walker-Warburg congenital muscular dystrophy. Also called: Muscular dystrophy-dystroglycanopathy, type A; Walker-Warburg syndrome. Identifiers: Orphanet 899, MedGen C0265221, MONDO:0000171.

Submissions (2):

Labcorp Genetics (formerly Invitae), Labcorp
Classification: Pathogenic for Walker-Warburg congenital muscular dystrophy. Last evaluated: 2021-05-21. Review status: criteria provided, single submitter. Criteria: Invitae Variant Classification Sherloc (09022015). Collection method: clinical testing. Allele origin: germline.
Comment: For these reasons, this variant has been classified as Pathogenic. This variant disrupts the C-terminus of the FKRP protein. Other variant(s) that disrupt this region (p.Q460*) have been determined to be pathogenic (PMID: 16476814, Invitae). This suggests that variants that disrupt this region of the protein are likely to be causative of disease. This variant has not been reported in the literature in individuals with FKRP-related conditions. ClinVar contains an entry for this variant (Variation ID: 288628). This variant is not present in population databases (ExAC no frequency). This sequence change creates a premature translational stop signal (p.Pro419Leufs*44) in the FKRP gene. While this is not anticipated to result in nonsense mediated decay, it is expected to disrupt the last 77 amino acid(s) of the FKRP protein.

Eurofins Ntd Llc (ga)
Classification: Pathogenic. Last evaluated: 2016-06-08. Review status: criteria provided, single submitter. Criteria: EGL Classification Definitions 2015. Collection method: clinical testing. Allele origin: germline. Observed: 1 variant allele, 1 heterozygote.

Literature cited by the submitters: PubMed 16476814 (cited by Labcorp Genetics (formerly Invitae), Labcorp).